The following is an entry in ClinVar:

NM_000264.5(PTCH1):c.451G>A (p.Ala151Thr)

Gene: PTCH1 (patched 1; minus strand). Cytogenetic location: 9q22.32.
Variant type: single nucleotide variant.
Coding change: c.451G>A on transcript NM_000264.5 (MANE Select); coding-DNA position 451, G replaced by A.
Protein change: p.Ala151Thr; replaces alanine 151 with threonine.
Molecular consequence: missense variant. On other transcripts: 5 prime UTR variant (4), non-coding transcript variant (1).
Genome position (GRCh38, 1-based): chr9:95,485,818, C>T on the plus strand (G>A on the coding strand, the complement: PTCH1 is on the minus strand). VCF-style: chr9-95485818-C-T. GRCh37 (hg19) VCF-style: chr9-98248100-C-T.
Other names: c.253G>A, p.Ala85Thr (NM_001083602.3, NM_001354919.2); c.448G>A, p.Ala150Thr (NM_001083603.3); c.-3G>A (NM_001083604.3, NM_001083605.3, NM_001083606.3 and 1 more transcripts); c.451G>A, p.Ala151Thr (NM_001354918.2); short protein forms A150T, A151T, A85T.
Identifiers: ClinVar variation 3939899 (VCV003939899.1).

ClinVar aggregate classification (germline): Uncertain significance (1 of 4 stars; one submission).

Conditions:
Hereditary cancer-predisposing syndrome. Also called: Tumor predisposition; Hereditary neoplastic syndrome; Hereditary Cancer Syndrome; Neoplastic Syndromes, Hereditary. Identifiers: Orphanet 140162, MedGen C0027672, MeSH D009386, MONDO:0015356.

gnomAD v4.1: 1 of 1,614,066 alleles (0.000062%); highest among the groups gnomAD compares: Non-Finnish European, 0.000085%; no homozygotes.

Submission:

Ambry Genetics
Classification: Uncertain significance for Hereditary cancer-predisposing syndrome. Last evaluated: 2025-05-02. Review status: criteria provided, single submitter. Criteria: Ambry Variant Classification Scheme 2023. Collection method: clinical testing. Allele origin: germline.
Comment: The p.A151T variant (also known as c.451G>A), located in coding exon 3 of the PTCH1 gene, results from a G to A substitution at nucleotide position 451. The alanine at codon 151 is replaced by threonine, an amino acid with similar properties. This amino acid position is conserved. In addition, the in silico prediction for this alteration is inconclusive. Based on the available evidence, the clinical significance of this variant remains unclear.